The following is an entry in ClinVar:

NM_001287491.2(TET3):c.949G>A (p.Ala317Thr)

Gene: TET3 (tet methylcytosine dioxygenase 3; plus strand). Cytogenetic location: 2p13.1.
Variant type: single nucleotide variant.
Coding change: c.949G>A on transcript NM_001287491.2 (MANE Select); coding-DNA position 949, G replaced by A.
Protein change: p.Ala317Thr; replaces alanine 317 with threonine.
Molecular consequence: missense variant.
Genome position (GRCh38, 1-based): chr2:74,046,866, G>A. VCF-style: chr2-74046866-G-A. GRCh37 (hg19) VCF-style: chr2-74273993-G-A.
Other names: c.670G>A, p.Ala224Thr (NM_001366022.1); short protein forms A224T, A317T.
Identifiers: ClinVar variation 1676232 (VCV001676232.2), dbSNP rs2103680161, ClinGen allele CA347326275.

ClinVar aggregate classification (germline): Uncertain significance (1 of 4 stars; one submission).

Conditions:
Beck-Fahrner syndrome (BEFAHRS). Identifiers: Orphanet 684216, MedGen C5394097, MONDO:0032922, OMIM 618798.

Submission:

Molecular Genetics, Royal Melbourne Hospital
Classification: Uncertain significance for Beck-Fahrner syndrome. Last evaluated: 2021-09-03. Review status: criteria provided, single submitter. Criteria: ACMG Guidelines, 2015. Collection method: clinical testing. Allele origin: germline.
Comment: This sequence change in TET3 is predicted to replace alanine with threonine at codon 317 (p.(Ala317Thr)). The alanine residue is weakly conserved (100 vertebrates, UCSC), and is not located in an annotated functional domain. There is a small physicochemical difference between alanine and threonine. This variant is absent from gnomAD v2.1 and v3.1. To our knowledge, this variant has not been reported in the literature in any individuals with disease. Multiple lines of computational evidence predict a benign effect for the missense substitution (5/5 algorithms). Based on the classification scheme RMH Modified ACMG Guidelines v1.4.0, this variant is classified as a VARIANT OF UNCERTAIN SIGNIFICANCE. Following criteria are met: PM2_Supporting, BP4.